The following is an entry in ClinVar:

ClinVar aggregate classification (germline): Uncertain significance (1 of 4 stars; one submission).

Allele frequency attached by ClinVar (database versions not stated): gnomAD exomes below 0.00001; TOPMed below 0.00001; gnomAD 0.00001.
gnomAD v4.1: 3 of 1,613,940 alleles (0.00019%); highest among the groups gnomAD compares: Admixed American, 0.0033%; no homozygotes.

Submission:

Labcorp Genetics (formerly Invitae), Labcorp
Classification: Uncertain significance. Last evaluated: 2025-04-28. Review status: criteria provided, single submitter. Criteria: Invitae Variant Classification Sherloc (09022015). Collection method: clinical testing. Allele origin: germline.
Comment: This sequence change replaces glycine, which is neutral and non-polar, with serine, which is neutral and polar, at codon 408 of the TCIRG1 protein (p.Gly408Ser). This variant is not present in population databases (gnomAD no frequency). This variant has not been reported in the literature in individuals affected with TCIRG1-related conditions. ClinVar contains an entry for this variant (Variation ID: 2049304). Invitae Evidence Modeling of protein sequence and biophysical properties (such as structural, functional, and spatial information, amino acid conservation, physicochemical variation, residue mobility, and thermodynamic stability) indicates that this missense variant is expected to disrupt TCIRG1 protein function with a positive predictive value of 80%. In summary, the available evidence is currently insufficient to determine the role of this variant in disease. Therefore, it has been classified as a Variant of Uncertain Significance.

NM_006019.4(TCIRG1):c.1222G>A (p.Gly408Ser)

Gene: TCIRG1 (T cell immune regulator 1, ATPase H+ transporting V0 subunit a3; plus strand). Cytogenetic location: 11q13.2.
Variant type: single nucleotide variant.
Coding change: c.1222G>A on transcript NM_006019.4 (MANE Select); coding-DNA position 1222, G replaced by A.
Protein change: p.Gly408Ser; replaces glycine 408 with serine.
Molecular consequence: missense variant.
Genome position (GRCh38, 1-based): chr11:68,047,489, G>A. VCF-style: chr11-68047489-G-A. GRCh37 (hg19) VCF-style: chr11-67814956-G-A.
Other names: c.328G>A, p.Gly110Ser (NM_001351059.2); c.574G>A, p.Gly192Ser (NM_006053.4); short protein forms G408S, G110S, G192S.
Identifiers: ClinVar variation 2049304 (VCV002049304.4), dbSNP rs1166821993, ClinGen allele CA381582245.